The following is an entry in ClinVar:

ClinVar aggregate classification (germline): Uncertain significance (1 of 4 stars; one submission).

Conditions:
ALG9 congenital disorder of glycosylation (CDG1L). Also called: CONGENITAL DISORDER OF GLYCOSYLATION, TYPE Il; ALG9-CDG; CDG Il. Identifiers: Orphanet 79328, MedGen C2931006, MONDO:0012117, OMIM 608776.

Submission:

Labcorp Genetics (formerly Invitae), Labcorp
Classification: Uncertain significance for ALG9 congenital disorder of glycosylation. Last evaluated: 2024-02-24. Review status: criteria provided, single submitter. Criteria: Invitae Variant Classification Sherloc (09022015). Collection method: clinical testing. Allele origin: germline.
Comment: This sequence change replaces leucine, which is neutral and non-polar, with valine, which is neutral and non-polar, at codon 575 of the ATP6V0A2 protein (p.Leu575Val). This variant is not present in population databases (gnomAD no frequency). This variant has not been reported in the literature in individuals affected with ATP6V0A2-related conditions. ClinVar contains an entry for this variant (Variation ID: 1387026). An algorithm developed to predict the effect of missense changes on protein structure and function (PolyPhen-2) suggests that this variant is likely to be tolerated. In summary, the available evidence is currently insufficient to determine the role of this variant in disease. Therefore, it has been classified as a Variant of Uncertain Significance.

NM_012463.4(ATP6V0A2):c.1723T>G (p.Leu575Val)

Gene: ATP6V0A2 (ATPase H+ transporting V0 subunit a2; plus strand). Cytogenetic location: 12q24.31.
Variant type: single nucleotide variant.
Coding change: c.1723T>G on transcript NM_012463.4 (MANE Select); coding-DNA position 1723, T replaced by G.
Protein change: p.Leu575Val; replaces leucine 575 with valine.
Molecular consequence: missense variant.
Genome position (GRCh38, 1-based): chr12:123,747,724, T>G. VCF-style: chr12-123747724-T-G. GRCh37 (hg19) VCF-style: chr12-124232271-T-G.
Other names: short protein forms L575V.
Identifiers: ClinVar variation 1387026 (VCV001387026.6), dbSNP rs2135913589, ClinGen allele CA387160107.